The following is an entry in ClinVar:

NM_025114.4(CEP290):c.3760T>G (p.Leu1254Val)

Gene: CEP290 (centrosomal protein 290; minus strand). Cytogenetic location: 12q21.32.
Variant type: single nucleotide variant.
Coding change: c.3760T>G on transcript NM_025114.4 (MANE Select); coding-DNA position 3760, T replaced by G.
Protein change: p.Leu1254Val; replaces leucine 1254 with valine.
Molecular consequence: missense variant.
Genome position (GRCh38, 1-based): chr12:88,089,301, A>C on the plus strand (T>G on the coding strand, the complement: CEP290 is on the minus strand). VCF-style: chr12-88089301-A-C. GRCh37 (hg19) VCF-style: chr12-88483078-A-C.
Other names: short protein forms L1254V.
Identifiers: ClinVar variation 4997888 (VCV004997888.1).

ClinVar aggregate classification (germline): Uncertain significance (1 of 4 stars; one submission).

Conditions:
CEP290-related disorder. Also called: CEP290-related condition; CEP290-related disorders. Identifiers: MedGen CN239314.

Submission:

PreventionGenetics, part of Exact Sciences
Classification: Uncertain significance for CEP290-related condition. Last evaluated: 2025-05-14. Review status: criteria provided, single submitter. Criteria: ACMG Guidelines, 2015. Collection method: clinical testing. Allele origin: germline.
Comment: The CEP290 c.3760T>G variant is predicted to result in the amino acid substitution p.Leu1254Val. To our knowledge, this variant has not been reported in the literature or in a large population database (gnomAD), indicating this variant is rare. At this time, the clinical significance of this variant is uncertain due to the absence of conclusive functional and genetic evidence.